The following is an entry in ClinVar:

ClinVar aggregate classification (germline): Uncertain significance. Review status: criteria provided, multiple submitters, no conflicts (2 of 4 stars). 3 submissions from 3 submitters: Uncertain significance (3). Last evaluated 2024-12-28.

Conditions:
RASopathy. Also called: rasopathies; Noonan spectrum disorder. Identifiers: Orphanet 536391, MedGen C5555857, MONDO:0021060.
Cardiovascular phenotype. Identifiers: MedGen CN230736.

gnomAD v4.1: 3 of 1,612,588 alleles (0.00019%); highest among the groups gnomAD compares: East Asian, 0.0022%; no homozygotes.

Submissions (3):

Ambry Genetics
Classification: Uncertain significance for Cardiovascular phenotype. Last evaluated: 2024-12-28. Review status: criteria provided, single submitter. Criteria: Ambry Variant Classification Scheme 2023. Collection method: clinical testing. Allele origin: germline.
Comment: The p.T37I variant (also known as c.110C>T), located in coding exon 2 of the SOS1 gene, results from a C to T substitution at nucleotide position 110. The threonine at codon 37 is replaced by isoleucine, an amino acid with similar properties. This amino acid position is conserved. In addition, the in silico prediction for this alteration is inconclusive. Based on the available evidence, the clinical significance of this variant remains unclear.

Women's Health and Genetics/Laboratory Corporation of America, LabCorp
Classification: Uncertain significance. Last evaluated: 2024-05-13. Review status: criteria provided, single submitter. Criteria: LabCorp Variant Classification Summary - May 2015. Collection method: clinical testing. Allele origin: germline.

Labcorp Genetics (formerly Invitae), Labcorp
Classification: Uncertain significance for RASopathy. Last evaluated: 2024-03-21. Review status: criteria provided, single submitter. Criteria: Invitae Variant Classification Sherloc (09022015). Collection method: clinical testing. Allele origin: germline.
Comment: This sequence change replaces threonine, which is neutral and polar, with isoleucine, which is neutral and non-polar, at codon 37 of the SOS1 protein (p.Thr37Ile). This variant is present in population databases (no rsID available, gnomAD 0.006%). This variant has not been reported in the literature in individuals affected with SOS1-related conditions. Advanced modeling of protein sequence and biophysical properties (such as structural, functional, and spatial information, amino acid conservation, physicochemical variation, residue mobility, and thermodynamic stability) has been performed at Invitae for this missense variant, however the output from this modeling did not meet the statistical confidence thresholds required to predict the impact of this variant on SOS1 protein function. In summary, the available evidence is currently insufficient to determine the role of this variant in disease. Therefore, it has been classified as a Variant of Uncertain Significance.

NM_005633.4(SOS1):c.110C>T (p.Thr37Ile)

Gene: SOS1 (SOS Ras/Rac guanine nucleotide exchange factor 1; minus strand). Cytogenetic location: 2p22.1.
Variant type: single nucleotide variant.
Coding change: c.110C>T on transcript NM_005633.4 (MANE Select); coding-DNA position 110, C replaced by T.
Protein change: p.Thr37Ile; replaces threonine 37 with isoleucine.
Molecular consequence: missense variant.
Genome position (GRCh38, 1-based): chr2:39,067,731, G>A on the plus strand (C>T on the coding strand, the complement: SOS1 is on the minus strand). VCF-style: chr2-39067731-G-A. GRCh37 (hg19) VCF-style: chr2-39294872-G-A.
Other names: c.89C>T, p.Thr30Ile (NM_001382394.1); c.110C>T, p.Thr37Ile (NM_001382395.1); short protein forms T30I, T37I.
Identifiers: ClinVar variation 3336023 (VCV003336023.4).